The following is an entry in ClinVar:

ClinVar aggregate classification (germline): Uncertain significance (0 of 4 stars; one submission).

Conditions:
ALMS1-related disorder. Also called: ALMS1-related condition.

gnomAD v4.1: 2 of 1,614,122 alleles (0.00012%); highest among the groups gnomAD compares: Non-Finnish European, 0.00017%; no homozygotes.

Submission:

PreventionGenetics, part of Exact Sciences
Classification: Uncertain significance for ALMS1-related condition. Last evaluated: 2023-10-31. Review status: no assertion criteria provided. Collection method: clinical testing. Allele origin: germline.
Comment: The ALMS1 c.8830A>G variant is predicted to result in the amino acid substitution p.Asn2944Asp. To our knowledge, this variant has not been reported in the literature. This variant is reported in 0.00088% of alleles in individuals of European (Non-Finnish) descent in gnomAD. At this time, the clinical significance of this variant is uncertain due to the absence of conclusive functional and genetic evidence.

NM_001378454.1(ALMS1):c.8827A>G (p.Arg2943Gly)

Gene: ALMS1 (ALMS1 centrosome and basal body associated protein; plus strand). Cytogenetic location: 2p13.1.
Variant type: single nucleotide variant.
Coding change: c.8827A>G on transcript NM_001378454.1 (MANE Select); coding-DNA position 8827, A replaced by G.
Protein change: p.Arg2943Gly; replaces arginine 2943 with glycine.
Molecular consequence: missense variant.
Genome position (GRCh38, 1-based): chr2:73,490,786, A>G. VCF-style: chr2-73490786-A-G. GRCh37 (hg19) VCF-style: chr2-73717913-A-G.
Other names: c.8830A>G, p.Arg2944Gly (NM_015120.4); short protein forms R2943G, R2944G.
Identifiers: ClinVar variation 3358045 (VCV003358045.1).